The following is an entry in ClinVar:

ClinVar aggregate classification (germline): Likely pathogenic (1 of 4 stars; one submission).

Conditions:
Genitourinary and/or brain malformation syndrome (GUBS). Also called: PPP1R12A-Related Urogenital and/or Brain Malformation Syndrome. Identifiers: MedGen C5394158, MONDO:0032934, OMIM 618820.

Submission:

Juno Genomics, Hangzhou Juno Genomics, Inc
Classification: Likely pathogenic for Genitourinary and/or brain malformation syndrome. Review status: criteria provided, single submitter. Criteria: ACMG Guidelines, 2015. Collection method: clinical testing. Allele origin: germline. Affected: yes.
Comment: Absent from controls (or at extremely low frequency if recessive) in Genome Aggregation Database.;Null variant in a gene where loss of function (LOF) is a known mechanism of disease.

NM_002480.3(PPP1R12A):c.1402dup (p.Thr468fs)

Gene: PPP1R12A (protein phosphatase 1 regulatory subunit 12A; minus strand). Cytogenetic location: 12q21.2.
Variant type: Duplication.
Coding change: c.1402dup on transcript NM_002480.3 (MANE Select); coding-DNA position 1402, one base duplicated (A; older notation c.1402dupA).
Protein change: p.Thr468fs; shifts the reading frame from threonine 468.
Molecular consequence: frameshift variant.
Genome position (GRCh38, 1-based): chr12:79,809,848, T duplicated on the plus strand (A on the coding strand, the reverse complement: PPP1R12A is on the minus strand). VCF-style (leftmost placement, unchanged base first): chr12-79809847-G-GT. GRCh37 (hg19) VCF-style: chr12-80203627-G-GT.
Other names: c.1141dup, p.Thr381fs (NM_001143886.2); c.1402dup, p.Thr468fs (NM_001244990.2, NM_001244992.1, NM_001143885.2); short protein forms T381fs, T468fs.
Identifiers: ClinVar variation 5019147 (VCV005019147.1).